The following is an entry in ClinVar:

ClinVar aggregate classification (germline): Uncertain significance (1 of 4 stars; one submission).

Conditions:
Hereditary nonpolyposis colorectal neoplasms. Identifiers: MedGen C0009405, MeSH D003123.

Submission:

Labcorp Genetics (formerly Invitae), Labcorp
Classification: Uncertain significance for Hereditary nonpolyposis colorectal neoplasms. Last evaluated: 2023-11-04. Review status: criteria provided, single submitter. Criteria: Invitae Variant Classification Sherloc (09022015). Collection method: clinical testing. Allele origin: germline.
Comment: This sequence change replaces arginine, which is basic and polar, with threonine, which is neutral and polar, at codon 1321 of the MSH6 protein (p.Arg1321Thr). This variant is not present in population databases (gnomAD no frequency). This variant has not been reported in the literature in individuals affected with MSH6-related conditions. Advanced modeling of protein sequence and biophysical properties (such as structural, functional, and spatial information, amino acid conservation, physicochemical variation, residue mobility, and thermodynamic stability) performed at Invitae indicates that this missense variant is not expected to disrupt MSH6 protein function with a negative predictive value of 95%. In summary, the available evidence is currently insufficient to determine the role of this variant in disease. Therefore, it has been classified as a Variant of Uncertain Significance.

NM_000179.3(MSH6):c.3962G>C (p.Arg1321Thr)

Gene: MSH6 (mutS homolog 6; plus strand). Cytogenetic location: 2p16.3.
Variant type: single nucleotide variant.
Coding change: c.3962G>C on transcript NM_000179.3 (MANE Select); coding-DNA position 3962, G replaced by C.
Protein change: p.Arg1321Thr; replaces arginine 1321 with threonine.
Molecular consequence: missense variant. On other transcripts: non-coding transcript variant (5), intron variant (1).
Genome position (GRCh38, 1-based): chr2:47,806,612, G>C. VCF-style: chr2-47806612-G-C. GRCh37 (hg19) VCF-style: chr2-48033751-G-C.
Other names: c.3572G>C, p.Arg1191Thr (NM_001281492.2); c.3056G>C, p.Arg1019Thr (NM_001281493.2, NM_001281494.2, NM_001406811.1 and 6 more transcripts); c.4058G>C, p.Arg1353Thr (NM_001406795.1); c.3962G>C, p.Arg1321Thr (NM_001406796.1, NM_001406808.1, NM_001406809.1); c.3665G>C, p.Arg1222Thr (NM_001406797.1, NM_001406801.1, NM_001406805.1 and 10 more transcripts); c.3788G>C, p.Arg1263Thr (NM_001406798.1); c.3437G>C, p.Arg1146Thr (NM_001406799.1, NM_001406806.1, NM_001406807.1); c.3949G>C, p.Glu1317Gln (NM_001406800.1); and 9 more; short protein forms E1317Q, R1222T, R1191T, R1263T, R1295T, R1321T, R248T, R799T.
Identifiers: ClinVar variation 2975991 (VCV002975991.3), dbSNP rs1064795473, ClinGen allele CA346761545.